The following is an entry in ClinVar:

ClinVar aggregate classification (germline): Uncertain significance (1 of 4 stars; one submission).

Submission:

Labcorp Genetics (formerly Invitae), Labcorp
Classification: Uncertain significance. Last evaluated: 2025-02-08. Review status: criteria provided, single submitter. Criteria: Invitae Variant Classification Sherloc (09022015). Collection method: clinical testing. Allele origin: germline.
Comment: This sequence change replaces aspartic acid, which is acidic and polar, with asparagine, which is neutral and polar, at codon 598 of the HGF protein (p.Asp598Asn). This variant is not present in population databases (gnomAD no frequency). This variant has not been reported in the literature in individuals affected with HGF-related conditions. An algorithm developed to predict the effect of missense changes on protein structure and function (PolyPhen-2) suggests that this variant is likely to be tolerated. In summary, the available evidence is currently insufficient to determine the role of this variant in disease. Therefore, it has been classified as a Variant of Uncertain Significance.

NM_000601.6(HGF):c.1792G>A (p.Asp598Asn)

Gene: HGF (hepatocyte growth factor; minus strand). Cytogenetic location: 7q21.11.
Variant type: single nucleotide variant.
Coding change: c.1792G>A on transcript NM_000601.6 (MANE Select); coding-DNA position 1792, G replaced by A.
Protein change: p.Asp598Asn; replaces aspartic acid 598 with asparagine.
Molecular consequence: missense variant.
Genome position (GRCh38, 1-based): chr7:81,705,719, C>T on the plus strand (G>A on the coding strand, the complement: HGF is on the minus strand). VCF-style: chr7-81705719-C-T. GRCh37 (hg19) VCF-style: chr7-81335035-C-T.
Other names: c.1777G>A, p.Asp593Asn (NM_001010932.3); short protein forms D593N, D598N.
Identifiers: ClinVar variation 4797333 (VCV004797333.1).